The following is an entry in ClinVar:

NM_003193.5(TBCE):c.394G>A (p.Val132Ile)

Gene: TBCE (tubulin folding cofactor E; plus strand). Cytogenetic location: 1q42.3.
Variant type: single nucleotide variant.
Coding change: c.394G>A on transcript NM_003193.5 (MANE Select); coding-DNA position 394, G replaced by A.
Protein change: p.Val132Ile; replaces valine 132 with isoleucine.
Molecular consequence: missense variant.
Genome position (GRCh38, 1-based): chr1:235,419,495, G>A. VCF-style: chr1-235419495-G-A. GRCh37 (hg19) VCF-style: chr1-235582810-G-A.
Other names: c.394G>A, p.Val132Ile (NM_001079515.3, NM_001287801.2); c.55G>A, p.Val19Ile (NM_001287802.2); c.394G>A (NM_001287801.1); short protein forms V132I, V19I.
Identifiers: ClinVar variation 598672 (VCV000598672.40), dbSNP rs144448831, ClinGen allele CA1464031.
Genomic context (GRCh38, chr1:235,419,495, plus strand): 5'-GTGCTTATGTATCCATGTGAACTCTGTTTTTCATGCAGTCAGCTGAGCAAGTTGCAAGAA[G>A]TTTCTCTGAGGAACTGTGCAGTAAGTTGTGCTGGTGAAAAAGGAGGAGTTGCTGAAGCAT-3'
Protein context (NP_003184.1, residues 122-142): QQSQLSKLQE[Val132Ile]SLRNCAVSCA

ClinVar aggregate classification (germline): Conflicting classifications of pathogenicity. Review status: criteria provided, conflicting classifications (1 of 4 stars). 7 submissions from 7 submitters: Uncertain significance (2); Benign (1); Likely benign (2). 2 of the submissions do not count toward it. Last evaluated 2025-12-08.

Conditions:
TBCE-related disorder. Also called: TBCE-related disorders; TBCE-related condition.

Allele frequency attached by ClinVar (database versions not stated): gnomAD exomes 0.00017 and 0.00048; ExAC 0.00047; 1000 Genomes Project 0.00140; 1000 Genomes Project 30x 0.00156; gnomAD 0.00156 and 0.00164; TOPMed 0.00176; ESP Exome Variant Server 0.00192.
gnomAD v4.1: 507 of 1,614,118 alleles (0.031%); highest among the groups gnomAD compares: African/African-American, 0.57%; 4 homozygotes.

Submissions (7):

Labcorp Genetics (formerly Invitae), Labcorp
Classification: Benign. Last evaluated: 2025-12-08. Review status: criteria provided, single submitter. Criteria: Invitae Variant Classification Sherloc (09022015). Collection method: clinical testing. Allele origin: germline.

Blueprint Genetics
Classification: Likely benign. Last evaluated: 2024-11-13. Review status: criteria provided, single submitter. Criteria: ACMG Guidelines, 2015. Collection method: clinical testing. Allele origin: germline.

CeGaT Center for Human Genetics Tuebingen
Classification: Likely benign. Last evaluated: 2024-04-01. Review status: criteria provided, single submitter. Criteria: CeGaT Center For Human Genetics Tuebingen Variant Classification Criteria Version 2. Collection method: clinical testing. Allele origin: germline. Affected: yes. Observed: 1 variant allele.
Comment: TBCE: BP4, BS2

GeneDx
Classification: Uncertain significance. Last evaluated: 2022-04-15. Review status: criteria provided, single submitter. Criteria: GeneDx Variant Classification Process June 2021. Collection method: clinical testing. Allele origin: germline. Affected: yes.
Comment: In silico analysis supports that this missense variant does not alter protein structure/function; Has not been previously published as pathogenic or benign to our knowledge

Eurofins Ntd Llc (ga)
Classification: Uncertain significance. Last evaluated: 2018-09-18. Review status: criteria provided, single submitter. Criteria: EGL ClinVar v180209 classification definitions. Collection method: clinical testing. Allele origin: germline. Observed: 1 variant allele, 1 heterozygote.

PreventionGenetics, part of Exact Sciences
Classification: Likely benign for TBCE-related condition. Last evaluated: 2020-08-10. Review status: no assertion criteria provided. Collection method: clinical testing. Allele origin: germline. Not counted in ClinVar's aggregate classification.
Comment: This variant is classified as likely benign based on ACMG/AMP sequence variant interpretation guidelines (Richards et al. 2015 PMID: 25741868, with internal and published modifications).

Department of Pathology and Laboratory Medicine, Sinai Health System
Classification: Likely benign. Review status: no assertion criteria provided. Collection method: clinical testing. Allele origin: unknown. Affected: yes. Study: The Canadian Open Genetics Repository (COGR). Not counted in ClinVar's aggregate classification.
Comment: The TBCE p.V132I variant was not identified in the literature but was identified in dbSNP (ID: rs144448831) and ClinVar (classified as uncertain significance by EGL Genetic Diagnostics and as benign by Invitae). The variant was identified in control databases in 163 of 282856 chromosomes at a frequency of 0.0005763, and was observed at the highest frequency in the African population in 139 of 24964 chromosomes (freq: 0.005568) (Genome Aggregation Database March 6, 2019, v2.1.1). The p.V132 residue is not highly conserved in mammals and computational analyses (MUT Assesor, PolyPhen-2, SIFT, MutationTaster, Revel, FATHMM, MetaLR, DANN) do not suggest a high likelihood of impact to the protein; however this information is not predictive enough to rule out pathogenicity. The variant occurs outside of the splicing consensus sequence and in silico or computational prediction software programs (Splice AI exome) do not predict a difference in splicing. In summary, based on the above information the clinical significance of this variant cannot be determined with certainty at this time although we would lean towards a more benign role for this variant. This variant is classified as likely benign.